The following is an entry in ClinVar:

ClinVar aggregate classification (germline): Uncertain significance. Review status: criteria provided, multiple submitters, no conflicts (2 of 4 stars). 4 submissions from 4 submitters: Uncertain significance (4). Last evaluated 2024-03-06.

Conditions:
Congenital glaucoma. Identifiers: MedGen C0020302, MONDO:0020366.
Anterior segment dysgenesis 6 (ASGD6). Also called: Anterior segment dysgenesis 6, multiple subtypes. Identifiers: MedGen C4310623, MONDO:0015016, OMIM 617315.
Glaucoma 3A. Also called: Glaucoma 3, primary congenital, A. Identifiers: Orphanet 98976, Orphanet 98977, MedGen C1856439, MONDO:0009277, OMIM 231300.
Glaucoma 3, primary infantile, B. Also called: GLAUCOMA, PRIMARY CONGENITAL, TYPE B; GLC3 type B; Primary congenital glaucoma type 3B; Glaucoma primary congenita type 3B; GLC3B. Identifiers: Orphanet 98976, MedGen C1832977, MONDO:0010968, OMIM 600975.

Allele frequency attached by ClinVar (database versions not stated): gnomAD exomes 0.00002 and 0.00003; TOPMed 0.00002; ExAC 0.00003; gnomAD 0.00003.
gnomAD v4.1: 56 of 1,612,980 alleles (0.0035%); highest among the groups gnomAD compares: Middle Eastern, 0.016%; no homozygotes.

Submissions (4):

Blueprint Genetics
Classification: Uncertain significance. Last evaluated: 2024-03-06. Review status: criteria provided, single submitter. Criteria: ACMG Guidelines, 2015. Collection method: clinical testing. Allele origin: germline.

GeneDx
Classification: Uncertain significance. Last evaluated: 2024-02-15. Review status: criteria provided, single submitter. Criteria: GeneDx Variant Classification Process June 2021. Collection method: clinical testing. Allele origin: germline. Affected: yes.
Comment: Identified heterozygous and segregates with disease in a family with juvenile and adult onset primary open angle glaucoma (PMID: 25091052); In silico analysis supports that this missense variant has a deleterious effect on protein structure/function; This variant is associated with the following publications: (PMID: 34426522, 25091052)

Labcorp Genetics (formerly Invitae), Labcorp
Classification: Uncertain significance for Congenital glaucoma. Last evaluated: 2024-01-22. Review status: criteria provided, single submitter. Criteria: Invitae Variant Classification Sherloc (09022015). Collection method: clinical testing. Allele origin: germline.
Comment: This sequence change replaces aspartic acid, which is acidic and polar, with valine, which is neutral and non-polar, at codon 316 of the CYP1B1 protein (p.Asp316Val). This variant is present in population databases (rs749521942, gnomAD 0.007%). This missense change has been observed in individual(s) with glaucoma (PMID: 25091052). ClinVar contains an entry for this variant (Variation ID: 1488122). Advanced modeling of protein sequence and biophysical properties (such as structural, functional, and spatial information, amino acid conservation, physicochemical variation, residue mobility, and thermodynamic stability) performed at Invitae indicates that this missense variant is not expected to disrupt CYP1B1 protein function with a negative predictive value of 80%. In summary, the available evidence is currently insufficient to determine the role of this variant in disease. Therefore, it has been classified as a Variant of Uncertain Significance.

Fulgent Genetics
Classification: Uncertain significance for Glaucoma 3A; Glaucoma 3, primary infantile, B; Anterior segment dysgenesis 6. Last evaluated: 2022-01-21. Review status: criteria provided, single submitter. Criteria: ACMG Guidelines, 2015. Collection method: clinical testing. Allele origin: unknown.

Literature cited by the submitters: PubMed 25091052 (cited by Labcorp Genetics (formerly Invitae), Labcorp).

NM_000104.4(CYP1B1):c.947A>T (p.Asp316Val)

Gene: CYP1B1 (cytochrome P450 family 1 subfamily B member 1; minus strand). Cytogenetic location: 2p22.2.
Variant type: single nucleotide variant.
Coding change: c.947A>T on transcript NM_000104.4 (MANE Select); coding-DNA position 947, A replaced by T.
Protein change: p.Asp316Val; replaces aspartic acid 316 with valine.
Molecular consequence: missense variant.
Genome position (GRCh38, 1-based): chr2:38,074,442, T>A on the plus strand (A>T on the coding strand, the complement: CYP1B1 is on the minus strand). VCF-style: chr2-38074442-T-A. GRCh37 (hg19) VCF-style: chr2-38301585-T-A.
Other names: c.947A>T (NM_000104.3); short protein forms D316V.
Identifiers: ClinVar variation 1488122 (VCV001488122.9), dbSNP rs749521942, ClinGen allele CA1619920.